The following is an entry in ClinVar:

NM_001005373.4(LRSAM1):c.1423-208_1423-207insA

Gene: LRSAM1 (leucine rich repeat and sterile alpha motif containing 1; plus strand). Cytogenetic location: 9q33.3.
Variant type: Insertion.
Coding change: c.1423-208_1423-207insA on transcript NM_001005373.4 (MANE Select); 208 bases into the intron before coding-DNA position 1423 through 207 bases into the intron before coding-DNA position 1423, A inserted.
Molecular consequence: intron variant.
Genome position: GRCh38 VCF-style: chr9-127491007-G-GA. GRCh37 (hg19) VCF-style: chr9-130253286-G-GA.
Other names: c.1423-208_1423-207insA (NM_138361.5, NM_001384142.1, NM_001384143.1 and 1 more transcripts); c.1422+1489_1422+1490insA (NM_001190723.3); c.634-208_634-207insA (NM_001384144.1).
Identifiers: ClinVar variation 683119 (VCV000683119.1), dbSNP rs5900748, ClinGen allele CA199850546.

ClinVar aggregate classification (germline): Benign (1 of 4 stars; one submission).

Allele frequency attached by ClinVar (database versions not stated): 1000 Genomes Project 30x 0.72720; 1000 Genomes Project 0.72963; TOPMed 0.74033; gnomAD 0.75076 and 0.75211.

Submission:

GeneDx
Classification: Benign. Last evaluated: 2018-06-14. Review status: criteria provided, single submitter. Criteria: GeneDx Variant Classification (06012015). Collection method: clinical testing. Allele origin: germline. Affected: yes.
Comment: This variant is considered likely benign or benign based on one or more of the following criteria: it is a conservative change, it occurs at a poorly conserved position in the protein, it is predicted to be benign by multiple in silico algorithms, and/or has population frequency not consistent with disease.